The following is an entry in ClinVar:

NM_000550.3(TYRP1):c.620G>T (p.Ser207Ile)

Gene: TYRP1 (tyrosinase related protein 1; plus strand). Cytogenetic location: 9p23.
Variant type: single nucleotide variant.
Coding change: c.620G>T on transcript NM_000550.3 (MANE Select); coding-DNA position 620, G replaced by T.
Protein change: p.Ser207Ile; replaces serine 207 with isoleucine.
Molecular consequence: missense variant.
Genome position (GRCh38, 1-based): chr9:12,695,749, G>T. VCF-style: chr9-12695749-G-T. GRCh37 (hg19) VCF-style: chr9-12695749-G-T.
Other names: short protein forms S207I.
Identifiers: ClinVar variation 1424268 (VCV001424268.3), dbSNP rs144206983, ClinGen allele CA4985269.
Genomic context (GRCh38, chr9:12,695,749, plus strand): 5'-ACTTTGTTTGGACACACTATTACTCAGTCAAAAAGACTTTCCTTGGGGTAGGACAGGAAA[G>T]CTTTGGTGAAGTGGATTTCTCTCATGAGGGACCAGCTTTTCTCACATGGCACAGGTACCA-3'
Protein context (NP_000541.1, residues 197-217): KKTFLGVGQE[Ser207Ile]FGEVDFSHEG

ClinVar aggregate classification (germline): Uncertain significance (1 of 4 stars; one submission).

Allele frequency attached by ClinVar (database versions not stated): gnomAD exomes below 0.00001 and 0.00001; ExAC 0.00002; ESP Exome Variant Server 0.00008; 1000 Genomes Project 30x 0.00016; 1000 Genomes Project 0.00020.
gnomAD v4.1: 10 of 1,614,172 alleles (0.00062%); highest among the groups gnomAD compares: African/African-American, 0.011%; no homozygotes.

Submission:

Labcorp Genetics (formerly Invitae), Labcorp
Classification: Uncertain significance. Last evaluated: 2022-08-01. Review status: criteria provided, single submitter. Criteria: Invitae Variant Classification Sherloc (09022015). Collection method: clinical testing. Allele origin: germline.
Comment: This sequence change replaces serine, which is neutral and polar, with isoleucine, which is neutral and non-polar, at codon 207 of the TYRP1 protein (p.Ser207Ile). This variant is present in population databases (rs144206983, gnomAD 0.008%). This variant has not been reported in the literature in individuals affected with TYRP1-related conditions. ClinVar contains an entry for this variant (Variation ID: 1424268). Algorithms developed to predict the effect of missense changes on protein structure and function are either unavailable or do not agree on the potential impact of this missense change (SIFT: "Deleterious"; PolyPhen-2: "Probably Damaging"; Align-GVGD: "Class C0"). In summary, the available evidence is currently insufficient to determine the role of this variant in disease. Therefore, it has been classified as a Variant of Uncertain Significance.